The following is an entry in ClinVar:

ClinVar aggregate classification (germline): Benign/Likely benign. Review status: criteria provided, multiple submitters, no conflicts (2 of 4 stars). 3 submissions from 3 submitters: Benign (1); Likely benign (2). Last evaluated 2026-01-01.

Allele frequency attached by ClinVar (database versions not stated): gnomAD exomes 0.00006 and 0.00017; gnomAD 0.00007 and 0.00012; TOPMed 0.00009; ExAC 0.00021; 1000 Genomes Project 30x 0.00062; 1000 Genomes Project 0.00079.
gnomAD v4.1: 83 of 1,209,848 alleles (0.0069%); highest among the groups gnomAD compares: East Asian, 0.16%; no homozygotes.

Submissions (3):

CeGaT Center for Human Genetics Tuebingen
Classification: Likely benign. Last evaluated: 2026-01-01. Review status: criteria provided, single submitter. Criteria: CeGaT Center For Human Genetics Tuebingen Variant Classification Criteria Version 2. Collection method: clinical testing. Allele origin: germline. Affected: yes. Observed: 1 variant allele.
Comment: TAF1: BP4, BP7, BS2

Labcorp Genetics (formerly Invitae), Labcorp
Classification: Benign. Last evaluated: 2025-06-23. Review status: criteria provided, single submitter. Criteria: Invitae Variant Classification Sherloc (09022015). Collection method: clinical testing. Allele origin: germline.

Blueprint Genetics
Classification: Likely benign. Last evaluated: 2024-07-15. Review status: criteria provided, single submitter. Criteria: ACMG Guidelines, 2015. Collection method: clinical testing. Allele origin: germline.

NM_004606.5(TAF1):c.972A>G (p.Gln324=)

Gene: TAF1 (TATA-box binding protein associated factor 1; plus strand). Cytogenetic location: Xq13.1.
Variant type: single nucleotide variant.
Coding change: c.972A>G on transcript NM_004606.5 (MANE Select); coding-DNA position 972, A replaced by G.
Protein change: p.Gln324=; no amino-acid change (glutamine 324 retained).
Molecular consequence: synonymous variant. On other transcripts: non-coding transcript variant (9).
Genome position (GRCh38, 1-based): chrX:71,378,273, A>G. VCF-style: chrX-71378273-A-G. GRCh37 (hg19) VCF-style: chrX-70598123-A-G.
Other names: c.972A>G, p.Gln324= (NM_001286074.2); c.909A>G, p.Gln303= (NM_138923.4).
Identifiers: ClinVar variation 700096 (VCV000700096.14), dbSNP rs55836865, ClinGen allele CA10446650.